The following is an entry in ClinVar:

NM_006343.3(MERTK):c.1801G>C (p.Val601Leu)

Gene: MERTK (MER proto-oncogene, tyrosine kinase; plus strand). Cytogenetic location: 2q13.
Variant type: single nucleotide variant.
Coding change: c.1801G>C on transcript NM_006343.3 (MANE Select); coding-DNA position 1801, G replaced by C.
Protein change: p.Val601Leu; replaces valine 601 with leucine.
Molecular consequence: missense variant.
Genome position (GRCh38, 1-based): chr2:112,003,918, G>C. VCF-style: chr2-112003918-G-C. GRCh37 (hg19) VCF-style: chr2-112761495-G-C.
Other names: short protein forms V601L.
Identifiers: ClinVar variation 1427907 (VCV001427907.5), dbSNP rs1254599867, ClinGen allele CA348232804.

ClinVar aggregate classification (germline): Uncertain significance. Review status: criteria provided, multiple submitters, no conflicts (2 of 4 stars). 2 submissions from 2 submitters: Uncertain significance (2). Last evaluated 2022-08-09.

Allele frequency attached by ClinVar (database versions not stated): gnomAD exomes below 0.00001; TOPMed below 0.00001; gnomAD 0.00001.
gnomAD v4.1: 2 of 1,613,432 alleles (0.00012%); highest among the groups gnomAD compares: African/African-American, 0.0027%; no homozygotes.

Submissions (2):

Labcorp Genetics (formerly Invitae), Labcorp
Classification: Uncertain significance. Last evaluated: 2022-08-09. Review status: criteria provided, single submitter. Criteria: Invitae Variant Classification Sherloc (09022015). Collection method: clinical testing. Allele origin: germline.
Comment: In summary, the available evidence is currently insufficient to determine the role of this variant in disease. Therefore, it has been classified as a Variant of Uncertain Significance. Algorithms developed to predict the effect of missense changes on protein structure and function are either unavailable or do not agree on the potential impact of this missense change (SIFT: "Deleterious"; PolyPhen-2: "Benign"; Align-GVGD: "Class C0"). ClinVar contains an entry for this variant (Variation ID: 1427907). This missense change has been observed in individuals with retinitis pigmentosa (PMID: 29555955, 31370859). This variant is present in population databases (no rsID available, gnomAD 0.008%). This sequence change replaces valine, which is neutral and non-polar, with leucine, which is neutral and non-polar, at codon 601 of the MERTK protein (p.Val601Leu).

Blueprint Genetics
Classification: Uncertain significance. Last evaluated: 2019-09-16. Review status: criteria provided, single submitter. Criteria: ACMG Guidelines, 2015. Collection method: clinical testing. Allele origin: germline.

Literature cited by the submitters: PubMed 29555955 (cited by Labcorp Genetics (formerly Invitae), Labcorp); PubMed 31370859 (cited by Labcorp Genetics (formerly Invitae), Labcorp).